The following is an entry in ClinVar:

NM_002392.6(MDM2):c.1289A>T (p.Glu430Val)

Gene: MDM2 (MDM2 proto-oncogene; plus strand). Cytogenetic location: 12q15.
Variant type: single nucleotide variant.
Coding change: c.1289A>T on transcript NM_002392.6 (MANE Select); coding-DNA position 1289, A replaced by T.
Protein change: p.Glu430Val; replaces glutamic acid 430 with valine.
Molecular consequence: missense variant.
Genome position (GRCh38, 1-based): chr12:68,839,644, A>T. VCF-style: chr12-68839644-A-T. GRCh37 (hg19) VCF-style: chr12-69233424-A-T.
Other names: c.1130A>T, p.Glu377Val (NM_001145337.3); c.1124A>T, p.Glu375Val (NM_001145339.2); c.683A>T, p.Glu228Val (NM_001145340.3); c.761A>T, p.Glu254Val (NM_001278462.2); c.1271A>T, p.Glu424Val (NM_001367990.1); short protein forms E424V, E430V, E228V, E254V, E375V, E377V.
Identifiers: ClinVar variation 1448253 (VCV001448253.8), dbSNP rs1286039833, ClinGen allele CA385705273.
Genomic context (GRCh38, chr12:68,839,644, plus strand): 5'-TTTATAGCAGCCAAGAAGATGTGAAAGAGTTTGAAAGGGAAGAAACCCAAGACAAAGAAG[A>T]GAGTGTGGAATCTAGTTTGCCCCTTAATGCCATTGAACCTTGTGTGATTTGTCAAGGTCG-3'
Protein context (NP_002383.2, residues 420-440): FEREETQDKE[Glu430Val]SVESSLPLNA

ClinVar aggregate classification (germline): Uncertain significance (1 of 4 stars; one submission).

Conditions:
Accelerated tumor formation, susceptibility to (ACTFS). Identifiers: MedGen C3280690, OMIM 614401, MONDO:0013733.

Allele frequency attached by ClinVar (database versions not stated): gnomAD exomes below 0.00001; gnomAD 0.00001 and 0.00003.
gnomAD v4.1: 6 of 1,613,668 alleles (0.00037%); highest among the groups gnomAD compares: Non-Finnish European, 0.00042%; no homozygotes.

Submission:

Labcorp Genetics (formerly Invitae), Labcorp
Classification: Uncertain significance for Accelerated tumor formation, susceptibility to. Last evaluated: 2021-02-12. Review status: criteria provided, single submitter. Criteria: Invitae Variant Classification Sherloc (09022015). Collection method: clinical testing. Allele origin: germline.
Comment: In summary, the available evidence is currently insufficient to determine the role of this variant in disease. Therefore, it has been classified as a Variant of Uncertain Significance. Algorithms developed to predict the effect of sequence changes on RNA splicing suggest that this variant may create or strengthen a splice site, but this prediction has not been confirmed by published transcriptional studies. Algorithms developed to predict the effect of missense changes on protein structure and function are either unavailable or do not agree on the potential impact of this missense change (SIFT: "Tolerated"; PolyPhen-2: "Probably Damaging"; Align-GVGD: "Class C0"). This variant has not been reported in the literature in individuals with MDM2-related conditions. This variant is not present in population databases (ExAC no frequency). This sequence change replaces glutamic acid with valine at codon 430 of the MDM2 protein (p.Glu430Val). The glutamic acid residue is highly conserved and there is a moderate physicochemical difference between glutamic acid and valine.